The following is an entry in ClinVar:

ClinVar aggregate classification (germline): Uncertain significance (1 of 4 stars; one submission).

Allele frequency attached by ClinVar (database versions not stated): gnomAD exomes below 0.00001.
gnomAD v4.1: 2 of 1,614,072 alleles (0.00012%); highest among the groups gnomAD compares: Admixed American, 0.0033%; no homozygotes.

Submission:

Labcorp Genetics (formerly Invitae), Labcorp
Classification: Uncertain significance. Last evaluated: 2024-10-24. Review status: criteria provided, single submitter. Criteria: Invitae Variant Classification Sherloc (09022015). Collection method: clinical testing. Allele origin: germline.
Comment: This sequence change replaces histidine, which is basic and polar, with arginine, which is basic and polar, at codon 138 of the SEMA4A protein (p.His138Arg). This variant is not present in population databases (gnomAD no frequency). This variant has not been reported in the literature in individuals affected with SEMA4A-related conditions. ClinVar contains an entry for this variant (Variation ID: 1488296). Invitae Evidence Modeling of protein sequence and biophysical properties (such as structural, functional, and spatial information, amino acid conservation, physicochemical variation, residue mobility, and thermodynamic stability) indicates that this missense variant is not expected to disrupt SEMA4A protein function with a negative predictive value of 80%. In summary, the available evidence is currently insufficient to determine the role of this variant in disease. Therefore, it has been classified as a Variant of Uncertain Significance.

NM_022367.4(SEMA4A):c.413A>G (p.His138Arg)

Gene: SEMA4A (semaphorin 4A; plus strand). Cytogenetic location: 1q22.
Variant type: single nucleotide variant.
Coding change: c.413A>G on transcript NM_022367.4 (MANE Select); coding-DNA position 413, A replaced by G.
Protein change: p.His138Arg; replaces histidine 138 with arginine.
Molecular consequence: missense variant. On other transcripts: 5 prime UTR variant (2), intron variant (1).
Genome position (GRCh38, 1-based): chr1:156,158,437, A>G. VCF-style: chr1-156158437-A-G. GRCh37 (hg19) VCF-style: chr1-156128228-A-G.
Other names: c.413A>G, p.His138Arg (NM_001193300.2, NM_001193301.2, NM_001370567.1); c.116A>G, p.His39Arg (NM_001370568.1); c.-112A>G (NM_001370569.1, NM_001370571.1); c.67-282A>G (NM_001193302.2); short protein forms H138R, H39R.
Identifiers: ClinVar variation 1488296 (VCV001488296.6), dbSNP rs1653253322, ClinGen allele CA342835888.
Genomic context (GRCh38, chr1:156,158,437, plus strand): 5'-GTCTCCCTCAGACACAGTGTTTCAACTTCATCCGTGTCCTGGTTTCTTACAATGTCACCC[A>G]TCTCTACACCTGCGGCACCTTCGCCTTCAGCCCTGCTTGTACCTTCATTGTGAGTTCTCT-3'
Protein context (NP_071762.2, residues 128-148): IRVLVSYNVT[His138Arg]LYTCGTFAFS